The following is an entry in ClinVar:

ClinVar aggregate classification (germline): Pathogenic/Likely pathogenic. Review status: criteria provided, multiple submitters, no conflicts (2 of 4 stars). 3 submissions from 3 submitters: Pathogenic (2); Likely pathogenic (1). Last evaluated 2024-01-30.

Conditions:
CC2D2A-related disorder. Also called: CC2D2A-related disorders; CC2D2A-related condition. Identifiers: MedGen CN239313.
Joubert syndrome. Also called: Familial aplasia of the vermis; JOUBERT-BOLTSHAUSER SYNDROME. Identifiers: Orphanet 475, MedGen C5979921, MONDO:0018772.
Meckel-Gruber syndrome. Also called: Dysencephalia splachnocystica; DYSENCEPHALIA SPLANCHNOCYSTICA; GRUBER SYNDROME. Identifiers: Orphanet 564, MedGen C0265215, MONDO:0018921.
Joubert syndrome 1 (JBTS1). Also called: Cerebellooculorenal syndrome 1; CEREBELLOPARENCHYMAL DISORDER IV. Identifiers: MedGen C4551568, MONDO:0008944, OMIM 213300.

Submissions (3):

Labcorp Genetics (formerly Invitae), Labcorp
Classification: Pathogenic for Joubert syndrome; Meckel-Gruber syndrome. Last evaluated: 2024-01-30. Review status: criteria provided, single submitter. Criteria: Invitae Variant Classification Sherloc (09022015). Collection method: clinical testing. Allele origin: germline.
Comment: This sequence change creates a premature translational stop signal (p.Leu1533Valfs*12) in the CC2D2A gene. While this is not anticipated to result in nonsense mediated decay, it is expected to disrupt the last 88 amino acid(s) of the CC2D2A protein. This variant is present in population databases (rs794729226, gnomAD 0.0009%). This variant has not been reported in the literature in individuals affected with CC2D2A-related conditions. ClinVar contains an entry for this variant (Variation ID: 242584). This variant disrupts a region of the CC2D2A protein in which other variant(s) (p.Asp1556Val) have been determined to be pathogenic (PMID: 19777577, 22241855, 22425360, 23012439, 26092869, 26477546). This suggests that this is a clinically significant region of the protein, and that variants that disrupt it are likely to be disease-causing. For these reasons, this variant has been classified as Pathogenic.

Blueprint Genetics
Classification: Likely pathogenic for CC2D2A-related disorders. Last evaluated: 2019-12-20. Review status: criteria provided, single submitter. Criteria: ACMG Guidelines, 2015. Collection method: clinical testing. Allele origin: germline. Affected: yes. Observed: 2 variant alleles.

Mendelics
Classification: Pathogenic for Joubert syndrome 1. Last evaluated: 2019-05-28. Review status: criteria provided, single submitter. Criteria: Mendelics Assertion Criteria 2017. Collection method: clinical testing. Allele origin: unknown.

Literature cited by the submitters: PubMed 19777577 (cited by Labcorp Genetics (formerly Invitae), Labcorp); PubMed 22241855 (cited by Labcorp Genetics (formerly Invitae), Labcorp); PubMed 22425360 (cited by Labcorp Genetics (formerly Invitae), Labcorp); PubMed 23012439 (cited by Labcorp Genetics (formerly Invitae), Labcorp); PubMed 26092869 (cited by Labcorp Genetics (formerly Invitae), Labcorp); PubMed 26477546 (cited by Labcorp Genetics (formerly Invitae), Labcorp).

NC_000004.11:g.15601250_15601251delCT

Genes: CC2D2A (coiled-coil and C2 domain containing 2A; plus strand), FBXL5 (F-box and leucine rich repeat protein 5; minus strand). Cytogenetic location: 4p15.32.
Variant type: Microsatellite.
Molecular consequence: frameshift variant (on NM_001378615.1).
Genome position: GRCh38 VCF-style: chr4-15599626-CCT-C. GRCh37 (hg19) VCF-style: chr4-15601249-CCT-C.
Other names: c.4597_4598del, p.Leu1533fs (NM_001080522.2, NM_001378615.1); c.4450_4451del, p.Leu1484fs (NM_001378617.1); short protein forms L1533fs, L1484fs.
Identifiers: ClinVar variation 242584 (VCV000242584.8), dbSNP rs794729226, ClinGen allele CA352231.